The following is an entry in ClinVar:

ClinVar aggregate classification (germline): Uncertain significance (1 of 4 stars; one submission).

Conditions:
Inborn genetic diseases. Identifiers: MedGen C0950123, MeSH D030342.

gnomAD v4.1: 3 of 1,605,658 alleles (0.00019%); highest among the groups gnomAD compares: Non-Finnish European, 0.00025%; no homozygotes.

Submission:

Ambry Genetics
Classification: Uncertain significance for Inborn genetic diseases. Last evaluated: 2025-02-04. Review status: criteria provided, single submitter. Criteria: Ambry Variant Classification Scheme 2023. Collection method: clinical testing. Allele origin: germline.
Comment: The p.R132G variant (also known as c.394C>G), located in coding exon 2 of the ERCC6L2 gene, results from a C to G substitution at nucleotide position 394. The arginine at codon 132 is replaced by glycine, an amino acid with dissimilar properties. This amino acid position is conserved. In addition, the in silico prediction for this alteration is inconclusive. Based on the available evidence, the clinical significance of this variant remains unclear.

NM_020207.7(ERCC6L2):c.394C>G (p.Arg132Gly)

Gene: ERCC6L2 (ERCC excision repair 6 like 2; plus strand). Cytogenetic location: 9q22.32.
Variant type: single nucleotide variant.
Coding change: c.394C>G on transcript NM_020207.7 (MANE Select); coding-DNA position 394, C replaced by G.
Protein change: p.Arg132Gly; replaces arginine 132 with glycine.
Molecular consequence: missense variant. On other transcripts: non-coding transcript variant (1).
Genome position (GRCh38, 1-based): chr9:95,881,216, C>G. VCF-style: chr9-95881216-C-G. GRCh37 (hg19) VCF-style: chr9-98643498-C-G.
Other names: c.394C>G, p.Arg132Gly (NM_001010895.4, NM_001375291.1, NM_001375292.1 and 2 more transcripts); short protein forms R132G.
Identifiers: ClinVar variation 3845914 (VCV003845914.1).